The following is an entry in ClinVar:

ClinVar aggregate classification (germline): Likely pathogenic. Review status: criteria provided, multiple submitters, no conflicts (2 of 4 stars). 2 submissions from 2 submitters: Likely pathogenic (2). Last evaluated 2024-05-26.

Conditions:
Glutaric aciduria, type 1. Also called: Glutaric Acidemia Type 1; GA I; Glutaric acidemia type I; Glutaryl-CoA dehydrogenase deficiency; Glutaricacidemia Type 1; Glutaricaciduria, type I. Identifiers: Orphanet 25, MedGen C0268595, MONDO:0009281, OMIM 231670.

Submissions (2):

Fulgent Genetics
Classification: Likely pathogenic for Glutaric aciduria, type 1. Last evaluated: 2024-05-26. Review status: criteria provided, single submitter. Criteria: ACMG Guidelines, 2015. Collection method: clinical testing. Allele origin: germline.

Labcorp Genetics (formerly Invitae), Labcorp
Classification: Likely pathogenic for Glutaric aciduria, type 1. Last evaluated: 2021-08-16. Review status: criteria provided, single submitter. Criteria: Invitae Variant Classification Sherloc (09022015). Collection method: clinical testing. Allele origin: germline.
Comment: This sequence change replaces arginine with glycine at codon 88 of the GCDH protein (p.Arg88Gly). The arginine residue is highly conserved and there is a moderate physicochemical difference between arginine and glycine. This variant is not present in population databases (ExAC no frequency). This missense change has been observed in individual(s) with a positive newborn screening result for GCDH-related disease (Invitae). Advanced modeling of protein sequence and biophysical properties (such as structural, functional, and spatial information, amino acid conservation, physicochemical variation, residue mobility, and thermodynamic stability) performed at Invitae indicates that this missense variant is expected to disrupt GCDH protein function. This variant disrupts the p.Arg88 amino acid residue in GCDH. Other variant(s) that disrupt this residue have been determined to be pathogenic (PMID: 8900227, 10699052, 11073722, 19433437, 23395213, 28438223). This suggests that this residue is clinically significant, and that variants that disrupt this residue are likely to be disease-causing. In summary, the currently available evidence indicates that the variant is pathogenic, but additional data are needed to prove that conclusively. Therefore, this variant has been classified as Likely Pathogenic.

Literature cited by the submitters: PubMed 8900227 (cited by Labcorp Genetics (formerly Invitae), Labcorp); PubMed 10699052 (cited by Labcorp Genetics (formerly Invitae), Labcorp); PubMed 11073722 (cited by Labcorp Genetics (formerly Invitae), Labcorp); PubMed 19433437 (cited by Labcorp Genetics (formerly Invitae), Labcorp); PubMed 23395213 (cited by Labcorp Genetics (formerly Invitae), Labcorp); PubMed 28438223 (cited by Labcorp Genetics (formerly Invitae), Labcorp).

NM_000159.4(GCDH):c.262C>G (p.Arg88Gly)

Gene: GCDH (glutaryl-CoA dehydrogenase; plus strand). Cytogenetic location: 19p13.13.
Variant type: single nucleotide variant.
Coding change: c.262C>G on transcript NM_000159.4 (MANE Select); coding-DNA position 262, C replaced by G.
Protein change: p.Arg88Gly; replaces arginine 88 with glycine.
Molecular consequence: missense variant. On other transcripts: non-coding transcript variant (2).
Genome position (GRCh38, 1-based): chr19:12,891,965, C>G. VCF-style: chr19-12891965-C-G. GRCh37 (hg19) VCF-style: chr19-13002779-C-G.
Other names: c.262C>G, p.Arg88Gly (NM_013976.5); short protein forms R88G.
Identifiers: ClinVar variation 1465690 (VCV001465690.7), dbSNP rs142967670, ClinGen allele CA404315542.